The following is an entry in ClinVar:

ClinVar aggregate classification (germline): Uncertain significance (1 of 4 stars; one submission).

Allele frequency attached by ClinVar (database versions not stated): gnomAD exomes below 0.00001; ExAC 0.00001; gnomAD 0.00001; TOPMed 0.00001.
gnomAD v4.1: 3 of 1,614,122 alleles (0.00019%); highest among the groups gnomAD compares: Non-Finnish European, 0.00025%; no homozygotes.

Submission:

Labcorp Genetics (formerly Invitae), Labcorp
Classification: Uncertain significance. Last evaluated: 2025-05-12. Review status: criteria provided, single submitter. Criteria: Invitae Variant Classification Sherloc (09022015). Collection method: clinical testing. Allele origin: germline.
Comment: This sequence change replaces glycine, which is neutral and non-polar, with aspartic acid, which is acidic and polar, at codon 1075 of the LRP2 protein (p.Gly1075Asp). This variant is present in population databases (rs753316477, gnomAD 0.0009%). This variant has not been reported in the literature in individuals affected with LRP2-related conditions. ClinVar contains an entry for this variant (Variation ID: 2172724). Invitae Evidence Modeling of protein sequence and biophysical properties (such as structural, functional, and spatial information, amino acid conservation, physicochemical variation, residue mobility, and thermodynamic stability) indicates that this missense variant is not expected to disrupt LRP2 protein function with a negative predictive value of 95%. In summary, the available evidence is currently insufficient to determine the role of this variant in disease. Therefore, it has been classified as a Variant of Uncertain Significance.

NM_004525.3(LRP2):c.3224G>A (p.Gly1075Asp)

Gene: LRP2 (LDL receptor related protein 2; minus strand). Cytogenetic location: 2q31.1.
Variant type: single nucleotide variant.
Coding change: c.3224G>A on transcript NM_004525.3 (MANE Select); coding-DNA position 3224, G replaced by A.
Protein change: p.Gly1075Asp; replaces glycine 1075 with aspartic acid.
Molecular consequence: missense variant.
Genome position (GRCh38, 1-based): chr2:169,244,899, C>T on the plus strand (G>A on the coding strand, the complement: LRP2 is on the minus strand). VCF-style: chr2-169244899-C-T. GRCh37 (hg19) VCF-style: chr2-170101409-C-T.
Other names: short protein forms G1075D.
Identifiers: ClinVar variation 2172724 (VCV002172724.4), dbSNP rs753316477, ClinGen allele CA1955082.
Genomic context (GRCh38, chr2:169,244,899, plus strand): 5'-CCATCCACACAGTCGTTGCGTTTGTCACAGCGCCAGTGTGCAGGAATGCACTCCCCATGG[C>T]CACAGGTGAACGCCGAAGATGAACAGGTATTATCTACAATAGTAACAAACTGGTCATGAA-3'
Protein context (NP_004516.2, residues 1065-1085): NTCSSSAFTC[Gly1075Asp]HGECIPAHWR